The following is an entry in ClinVar:

NM_000540.3(RYR1):c.3839A>G (p.Asn1280Ser)

Gene: RYR1 (ryanodine receptor 1; plus strand). Cytogenetic location: 19q13.2.
Variant type: single nucleotide variant.
Coding change: c.3839A>G on transcript NM_000540.3 (MANE Select); coding-DNA position 3839, A replaced by G.
Protein change: p.Asn1280Ser; replaces asparagine 1280 with serine.
Molecular consequence: missense variant.
Genome position (GRCh38, 1-based): chr19:38,473,450, A>G. VCF-style: chr19-38473450-A-G. GRCh37 (hg19) VCF-style: chr19-38964090-A-G.
Other names: c.3839A>G, p.Asn1280Ser (NM_001042723.2); short protein forms N1280S.
Identifiers: ClinVar variation 3073304 (VCV003073304.4), dbSNP rs1600729837, ClinGen allele CA405641694.

ClinVar aggregate classification (germline): Uncertain significance. Review status: criteria provided, multiple submitters, no conflicts (2 of 4 stars). 3 submissions from 3 submitters: Uncertain significance (3). Last evaluated 2025-09-05.

Conditions:
RYR1-related disorder. Also called: RYR1-related condition; RYR1-related disorders. Identifiers: MedGen CN239331.
Malignant hyperthermia, susceptibility to, 1 (MHS1). Also called: Anesthesia related hyperthermia; Malignant hyperpyrexia; Fulminating hyperpyrexia; Pharmacogenic myopathy; RYR1-Related Malignant Hyperthermia Susceptibility; Malignant hyperthermia suceptibility 1. Identifiers: Orphanet 423, MedGen C2930980, MONDO:0007783, OMIM 145600.

Allele frequency attached by ClinVar (database versions not stated): gnomAD exomes below 0.00001; TOPMed below 0.00001.
gnomAD v4.1: 1 of 1,613,924 alleles (0.000062%); highest among the groups gnomAD compares: Non-Finnish European, 0.000085%; no homozygotes.

Submissions (3):

Color Diagnostics, LLC DBA Color Health
Classification: Uncertain significance for Malignant hyperthermia, susceptibility to, 1. Last evaluated: 2025-09-05. Review status: criteria provided, single submitter. Criteria: ACMG Guidelines, 2015. Collection method: clinical testing. Allele origin: germline.
Comment: This missense variant replaces asparagine with serine at codon 1280 of the RYR1 protein. Computational prediction suggests that this variant may not impact protein structure and function. To our knowledge, functional studies have not been reported for this variant. This variant has not been reported in individuals affected with RYR1-related disorders in the literature. This variant has not been identified in the general population by the Genome Aggregation Database (gnomAD). The available evidence is insufficient to determine the role of this variant in disease conclusively. Therefore, this variant is classified as a Variant of Uncertain Significance.

Labcorp Genetics (formerly Invitae), Labcorp
Classification: Uncertain significance for RYR1-related disorder. Last evaluated: 2024-08-05. Review status: criteria provided, single submitter. Criteria: Invitae Variant Classification Sherloc (09022015). Collection method: clinical testing. Allele origin: germline.
Comment: This sequence change replaces asparagine, which is neutral and polar, with serine, which is neutral and polar, at codon 1280 of the RYR1 protein (p.Asn1280Ser). This variant is not present in population databases (gnomAD no frequency). This variant has not been reported in the literature in individuals affected with RYR1-related conditions. Advanced modeling of protein sequence and biophysical properties (such as structural, functional, and spatial information, amino acid conservation, physicochemical variation, residue mobility, and thermodynamic stability) has been performed at Invitae for this missense variant, however the output from this modeling did not meet the statistical confidence thresholds required to predict the impact of this variant on RYR1 protein function. In summary, the available evidence is currently insufficient to determine the role of this variant in disease. Therefore, it has been classified as a Variant of Uncertain Significance.

All of Us Research Program, National Institutes of Health
Classification: Uncertain significance for Malignant hyperthermia, susceptibility to, 1. Last evaluated: 2023-09-04. Review status: criteria provided, single submitter. Criteria: ACMG Guidelines, 2015. Collection method: clinical testing. Allele origin: germline. Inheritance: Autosomal dominant inheritance. Observed: 1 variant allele, 1 heterozygote.
Comment: This missense variant replaces asparagine with serine at codon 1280 of the RYR1 protein. Computational prediction suggests that this variant may not impact protein structure and function (internally defined REVEL score threshold <= 0.5, PMID: 27666373). To our knowledge, functional studies have not been reported for this variant. This variant has not been reported in individuals affected with RYR1-related disorders in the literature. This variant has not been identified in the general population by the Genome Aggregation Database (gnomAD). The available evidence is insufficient to determine the role of this variant in disease conclusively. Therefore, this variant is classified as a Variant of Uncertain Significance.

This study involves interpretation of variants in research participants for the purpose of population health screening. Participant phenotype was not available at the time of variant classification. Additional details can be found in publication PMID: 35346344, PMCID: PMC8962531